The following is an entry in ClinVar:

ClinVar aggregate classification (germline): Benign. Review status: criteria provided, multiple submitters, no conflicts (2 of 4 stars). 5 submissions from 5 submitters: Benign (5). Last evaluated 2026-02-04.

Conditions:
Hypertrophic cardiomyopathy. Also called: HYPERTROPHIC MYOCARDIOPATHY. Identifiers: Orphanet 217569, MedGen C0007194, MeSH D002312, MONDO:0005045, HP:0001639.

Allele frequency attached by ClinVar (database versions not stated): gnomAD exomes 0.49841; TOPMed 0.55693; ExAC 0.56960; ESP Exome Variant Server 0.57065; gnomAD 0.57606; 1000 Genomes Project 0.59445; 1000 Genomes Project 30x 0.59760.
gnomAD v4.1: 787,184 of 1,602,184 alleles (49%); highest among the groups gnomAD compares: African/African-American, 79%; 198,578 homozygotes.

Submissions (5):

Labcorp Genetics (formerly Invitae), Labcorp
Classification: Benign for Hypertrophic cardiomyopathy. Last evaluated: 2026-02-04. Review status: criteria provided, single submitter. Criteria: Invitae Variant Classification Sherloc (09022015). Collection method: clinical testing. Allele origin: germline.

Ambry Genetics
Classification: Benign. Last evaluated: 2019-02-07. Review status: criteria provided, single submitter. Criteria: Ambry Variant Classification Scheme 2023. Collection method: clinical testing. Allele origin: germline.

GeneDx
Classification: Benign. Last evaluated: 2018-06-13. Review status: criteria provided, single submitter. Criteria: GeneDx Variant Classification (06012015). Collection method: clinical testing. Allele origin: germline. Affected: yes.
Comment: This variant is considered likely benign or benign based on one or more of the following criteria: it is a conservative change, it occurs at a poorly conserved position in the protein, it is predicted to be benign by multiple in silico algorithms, and/or has population frequency not consistent with disease.

Laboratory for Molecular Medicine, Mass General Brigham Personalized Medicine
Classification: Benign. Last evaluated: 2014-11-24. Review status: criteria provided, single submitter. Criteria: LMM Criteria. Collection method: clinical testing. Allele origin: germline. Observed: 392 variant alleles.
Comment: Gly1680Gly in exon 38 of MYOM1: This variant is not expected to have clinical si gnificance because it does not alter an amino acid residue and is not located wi thin the splice consensus sequence. It has been identified in 46.6% (3990/8554) of European American chromosomes from a broad population by the NHLBI Exome Sequ encing Project (dbSNP rs2230164).

Breakthrough Genomics
Classification: Benign. Review status: criteria provided, single submitter. Criteria: ACMG Guidelines, 2015. Collection method: not provided. Allele origin: germline. Inheritance: Unknown mechanism. Affected: yes.

NM_003803.4(MYOM1):c.5040T>C (p.Gly1680=)

Gene: MYOM1 (myomesin 1; minus strand). Cytogenetic location: 18p11.31.
Variant type: single nucleotide variant.
Coding change: c.5040T>C on transcript NM_003803.4 (MANE Select); coding-DNA position 5040, T replaced by C.
Protein change: p.Gly1680=; no amino-acid change (glycine 1680 retained).
Molecular consequence: synonymous variant.
Genome position (GRCh38, 1-based): chr18:3,067,280, A>G on the plus strand (T>C on the coding strand, the complement: MYOM1 is on the minus strand). VCF-style: chr18-3067280-A-G. GRCh37 (hg19) VCF-style: chr18-3067278-A-G.
Other names: c.4752T>C, p.Gly1584= (NM_019856.2).
Identifiers: ClinVar variation 226828 (VCV000226828.19), dbSNP rs2230164, ClinGen allele CA8873690.